The following is an entry in ClinVar:

ClinVar aggregate classification (germline): Uncertain significance (1 of 4 stars; one submission).

Submission:

CeGaT Center for Human Genetics Tuebingen
Classification: Uncertain significance. Last evaluated: 2024-11-01. Review status: criteria provided, single submitter. Criteria: CeGaT Center For Human Genetics Tuebingen Variant Classification Criteria Version 2. Collection method: clinical testing. Allele origin: germline. Affected: yes. Observed: 1 variant allele.
Comment: SLC16A2: PM2:Supporting, BP4

NM_006517.5(SLC16A2):c.759G>A (p.Leu253=)

Gene: SLC16A2 (solute carrier family 16 member 2; plus strand). Cytogenetic location: Xq13.2.
Variant type: single nucleotide variant.
Coding change: c.759G>A on transcript NM_006517.5 (MANE Select); coding-DNA position 759, G replaced by A.
Protein change: p.Leu253=; no amino-acid change (leucine 253 retained).
Molecular consequence: synonymous variant.
Genome position (GRCh38, 1-based): chrX:74,524,542, G>A. VCF-style: chrX-74524542-G-A. GRCh37 (hg19) VCF-style: chrX-73744377-G-A.
Identifiers: ClinVar variation 3388722 (VCV003388722.14).